The following is an entry in ClinVar:

ClinVar aggregate classification (germline): Uncertain significance (1 of 4 stars; one submission).

Conditions:
Catecholaminergic polymorphic ventricular tachycardia (CVPT). Also called: Catecholamine-induced polymorphic ventricular tachycardia. Identifiers: Orphanet 3286, MedGen C5574922, MONDO:0017990.

Submission:

All of Us Research Program, National Institutes of Health
Classification: Uncertain significance for Catecholaminergic polymorphic ventricular tachycardia. Last evaluated: 2024-03-24. Review status: criteria provided, single submitter. Criteria: ACMG Guidelines, 2015. Collection method: clinical testing. Allele origin: germline. Inheritance: Autosomal dominant inheritance. Observed: 1 variant allele, 1 heterozygote.
Comment: This variant causes a duplication of two amino acids in exon 91 of the RYR2 protein. To our knowledge, functional studies have not been reported for this variant. This variant has not been reported in individuals affected with RYR2-related disorders in the literature. This variant has not been identified in the general population by the Genome Aggregation Database (gnomAD). The available evidence is insufficient to determine the role of this variant in disease conclusively. Therefore, this variant is classified as a Variant of Uncertain Significance.

This study involves interpretation of variants in research participants for the purpose of population health screening. Participant phenotype was not available at the time of variant classification. Additional details can be found in publication PMID: 35346344, PMCID: PMC8962531

NM_001035.3(RYR2):c.13315_13320dup (p.Glu4440_Lys4441insProGlu)

Gene: RYR2 (ryanodine receptor 2; plus strand). Cytogenetic location: 1q43.
Variant type: Duplication.
Coding change: c.13315_13320dup on transcript NM_001035.3 (MANE Select); coding-DNA positions 13315 to 13320, 6 bases duplicated (CCTGAA; older notation c.13315_13320dupCCTGAA).
Protein change: p.Glu4440_Lys4441insProGlu.
Genome position (GRCh38, 1-based): chr1:237,786,023-237,786,028, CCTGAA duplicated; duplicating any 6 consecutive bases within chr1:237,786,018-237,786,028 gives the same sequence; the c. name uses the placement nearest the transcript's 3' end. VCF-style (leftmost placement, unchanged base first): chr1-237786017-T-TCTGAAC. GRCh37 (hg19) VCF-style: chr1-237949317-T-TCTGAAC.
Identifiers: ClinVar variation 3385861 (VCV003385861.1).
Genomic context (GRCh38, chr1:237,786,017, plus strand): 5'-GACTCATTCAAGGAACAGAAGGCAAAAGAAGAAGAAAAGGAAGAAAAAGAAGAAACCAAA[T>TCTGAAC]CTGAACCTGAAAAAGCCGAGTATGTATAGTTTGCATATACTTTTCCTTCGTTTCAGTTTG-3'